The following is an entry in ClinVar:

NM_001145308.5(LRTOMT):c.78G>C (p.Gln26His)

Gene: LRTOMT (leucine rich transmembrane and O-methyltransferase domain containing; plus strand). Cytogenetic location: 11q13.4.
Variant type: single nucleotide variant.
Coding change: c.78G>C on transcript NM_001145308.5; coding-DNA position 78, G replaced by C.
Protein change: p.Gln26His; replaces glutamine 26 with histidine.
Molecular consequence: missense variant.
Genome position (GRCh38, 1-based): chr11:72,105,007, G>C. VCF-style: chr11-72105007-G-C. GRCh37 (hg19) VCF-style: chr11-71816053-G-C.
Other names: c.78G>C, p.Gln26His (NM_001145309.4, NM_001145310.4); short protein forms Q26H.
Identifiers: ClinVar variation 3014951 (VCV003014951.3), dbSNP rs1461365958, ClinGen allele CA381716471.

ClinVar aggregate classification (germline): Uncertain significance (1 of 4 stars; one submission).

Allele frequency attached by ClinVar (database versions not stated): gnomAD 0.00001; gnomAD exomes below 0.00001; TOPMed below 0.00001.

Submission:

Labcorp Genetics (formerly Invitae), Labcorp
Classification: Uncertain significance. Last evaluated: 2025-09-02. Review status: criteria provided, single submitter. Criteria: Invitae Variant Classification Sherloc (09022015). Collection method: clinical testing. Allele origin: germline.
Comment: This sequence change replaces glutamine, which is neutral and polar, with histidine, which is basic and polar, at codon 26 of the LRTOMT protein (p.Gln26His). The frequency data for this variant in the population databases is considered unreliable, as metrics indicate poor data quality at this position in the gnomAD database. This variant has not been reported in the literature in individuals affected with LRTOMT-related conditions. ClinVar contains an entry for this variant (Variation ID: 3014951). An algorithm developed to predict the effect of missense changes on protein structure and function (PolyPhen-2) suggests that this variant is likely to be tolerated. In summary, the available evidence is currently insufficient to determine the role of this variant in disease. Therefore, it has been classified as a Variant of Uncertain Significance.